The following is an entry in ClinVar:

ClinVar aggregate classification (germline): Pathogenic (1 of 4 stars; one submission).

Conditions:
Marfan syndrome (MFS). Also called: MARFAN SYNDROME, TYPE I; Marfan syndrome type 1; Marfan's syndrome; Marfan syndrome, classic; FBN1-Related Marfan Syndrome. Identifiers: Orphanet 284963, Orphanet 558, MedGen C0024796, MONDO:0007947, OMIM 154700.
Familial thoracic aortic aneurysm and aortic dissection (TAAD). Also called: Thoracic aortic aneurysms and dissections. Identifiers: Orphanet 91387, MedGen C4707243, MONDO:0019625.

Submission:

Labcorp Genetics (formerly Invitae), Labcorp
Classification: Pathogenic for Marfan syndrome; Familial thoracic aortic aneurysm and aortic dissection. Last evaluated: 2023-07-07. Review status: criteria provided, single submitter. Criteria: Invitae Variant Classification Sherloc (09022015). Collection method: clinical testing. Allele origin: germline.
Comment: This missense change has been observed in individual(s) with clinical features of FBN1-related conditions (Invitae). For these reasons, this variant has been classified as Pathogenic. This variant disrupts the p.Cys1534 amino acid residue in FBN1. Other variant(s) that disrupt this residue have been observed in individuals with FBN1-related conditions (PMID: 34550612), which suggests that this may be a clinically significant amino acid residue. This variant affects a cysteine residue in the EGF-like, TGFBP or hybrid motif domains of FBN1. Cysteine residues are believed to be involved in intramolecular disulfide bridges and have been shown to be important for FBN1 protein structure (PMID: 16905551, 19349279). In addition, missense substitutions affecting cysteine residues within these domains are significantly overrepresented among patients with Marfan syndrome (PMID: 16571647, 17701892). Advanced modeling of protein sequence and biophysical properties (such as structural, functional, and spatial information, amino acid conservation, physicochemical variation, residue mobility, and thermodynamic stability) performed at Invitae indicates that this missense variant is expected to disrupt FBN1 protein function. ClinVar contains an entry for this variant (Variation ID: 1507616). This variant is not present in population databases (gnomAD no frequency). This sequence change replaces cysteine, which is neutral and slightly polar, with arginine, which is basic and polar, at codon 1534 of the FBN1 protein (p.Cys1534Arg).

Literature cited by the submitters: PubMed 34550612; PubMed 16905551; PubMed 19349279; PubMed 16571647; PubMed 17701892.

NM_000138.5(FBN1):c.4600T>C (p.Cys1534Arg)

Gene: FBN1 (fibrillin 1; minus strand). Cytogenetic location: 15q21.1.
Variant type: single nucleotide variant.
Coding change: c.4600T>C on transcript NM_000138.5 (MANE Select); coding-DNA position 4600, T replaced by C.
Protein change: p.Cys1534Arg; replaces cysteine 1534 with arginine.
Molecular consequence: missense variant.
Genome position (GRCh38, 1-based): chr15:48,468,085, A>G on the plus strand (T>C on the coding strand, the complement: FBN1 is on the minus strand). VCF-style: chr15-48468085-A-G. GRCh37 (hg19) VCF-style: chr15-48760282-A-G.
Other names: short protein forms C1534R.
Identifiers: ClinVar variation 1507616 (VCV001507616.8), dbSNP rs2141272479, ClinGen allele CA392353154.